The following is an entry in ClinVar:

ClinVar aggregate classification (germline): Uncertain significance (1 of 4 stars; one submission).

Submission:

Ambry Genetics
Classification: Uncertain significance. Last evaluated: 2024-04-26. Review status: criteria provided, single submitter. Criteria: Ambry Variant Classification Scheme 2023. Collection method: clinical testing. Allele origin: germline.
Comment: The p.P634Q variant (also known as c.1901C>A), located in coding exon 9 of the PALLD gene, results from a C to A substitution at nucleotide position 1901. The proline at codon 634 is replaced by glutamine, an amino acid with similar properties. This amino acid position is conserved. In addition, this alteration is predicted to be tolerated by in silico analysis. Based on the available evidence, the clinical significance of this variant remains unclear.

NM_001166108.2(PALLD):c.1901C>A (p.Pro634Gln)

Gene: PALLD (palladin, cytoskeletal associated protein; plus strand). Cytogenetic location: 4q32.3.
Variant type: single nucleotide variant.
Coding change: c.1901C>A on transcript NM_001166108.2 (MANE Select); coding-DNA position 1901, C replaced by A.
Protein change: p.Pro634Gln; replaces proline 634 with glutamine.
Molecular consequence: missense variant.
Genome position (GRCh38, 1-based): chr4:168,711,860, C>A. VCF-style: chr4-168711860-C-A. GRCh37 (hg19) VCF-style: chr4-169633011-C-A.
Other names: c.755C>A, p.Pro252Gln (NM_001166109.2); c.1901C>A, p.Pro634Gln (NM_016081.4); short protein forms P252Q, P634Q.
Identifiers: ClinVar variation 3304071 (VCV003304071.1).
Genomic context (GRCh38, chr4:168,711,860, plus strand): 5'-ATCCCAGCCGTGGAGTAAATGGACTGATTAACGGCAAAGCTAACAGTAATAAATCTCTTC[C>A]AACACCAGCTGTCCTGCTTTCACCCACTAAGGAGCCACCACCTCTGCTTGCCAAACCAAA-3'
Protein context (NP_001159580.1, residues 624-644): NGKANSNKSL[Pro634Gln]TPAVLLSPTK